The following is an entry in ClinVar:

ClinVar aggregate classification (germline): Likely benign. Review status: criteria provided, multiple submitters, no conflicts (2 of 4 stars). 2 submissions from 2 submitters: Likely benign (2). Last evaluated 2026-02-01.

Conditions:
Emery-Dreifuss muscular dystrophy 4, autosomal dominant (EDMD4). Also called: EMERY-DREIFUSS MUSCULAR DYSTROPHY 4 WITH VARIABLE FEATURES. Identifiers: Orphanet 261, MedGen C2751807, MONDO:0013071, OMIM 612998.
Autosomal recessive ataxia, Beauce type. Also called: ATAXIA, RECESSIVE, OF BEAUCE; Spinocerebellar ataxia, autosomal recessive 8; SYNE1-Related Autosomal Recessive Cerebellar Ataxia; SYNE1 Deficiency. Identifiers: Orphanet 88644, MedGen C1853116, MONDO:0012549, OMIM 610743.

gnomAD v4.1: 3 of 1,612,132 alleles (0.00019%); highest among the groups gnomAD compares: Admixed American, 0.005%; no homozygotes.

Submissions (2):

CeGaT Center for Human Genetics Tuebingen
Classification: Likely benign. Last evaluated: 2026-02-01. Review status: criteria provided, single submitter. Criteria: CeGaT Center For Human Genetics Tuebingen Variant Classification Criteria Version 2. Collection method: clinical testing. Allele origin: germline. Affected: yes. Observed: 1 variant allele.
Comment: SYNE1: BP4, BP7

Labcorp Genetics (formerly Invitae), Labcorp
Classification: Likely benign for Emery-Dreifuss muscular dystrophy 4, autosomal dominant; Autosomal recessive ataxia, Beauce type. Last evaluated: 2025-04-11. Review status: criteria provided, single submitter. Criteria: Invitae Variant Classification Sherloc (09022015). Collection method: clinical testing. Allele origin: germline.

NM_182961.4(SYNE1):c.6813G>C (p.Pro2271=)

Genes: SYNE1 (spectrin repeat containing nuclear envelope protein 1; minus strand), SYNE1-AS2 (SYNE1 antisense RNA 2; plus strand). Cytogenetic location: 6q25.2.
Variant type: single nucleotide variant.
Coding change: c.6813G>C on transcript NM_182961.4 (MANE Select); coding-DNA position 6813, G replaced by C.
Protein change: p.Pro2271=; no amino-acid change (proline 2271 retained).
Molecular consequence: synonymous variant.
Genome position (GRCh38, 1-based): chr6:152,404,225, C>G on the plus strand (G>C on the coding strand, the complement: SYNE1 is on the minus strand). VCF-style: chr6-152404225-C-G. GRCh37 (hg19) VCF-style: chr6-152725360-C-G.
Other names: c.6834G>C, p.Pro2278= (NM_033071.5).
Identifiers: ClinVar variation 2924238 (VCV002924238.7), dbSNP rs138911730, ClinGen allele CA452757838.